The following is an entry in ClinVar:

NM_014714.4(IFT140):c.3338T>C (p.Ile1113Thr)

Gene: IFT140 (intraflagellar transport 140; minus strand). Cytogenetic location: 16p13.3.
Variant type: single nucleotide variant.
Coding change: c.3338T>C on transcript NM_014714.4 (MANE Select); coding-DNA position 3338, T replaced by C.
Protein change: p.Ile1113Thr; replaces isoleucine 1113 with threonine.
Molecular consequence: missense variant.
Genome position (GRCh38, 1-based): chr16:1,523,633, A>G on the plus strand (T>C on the coding strand, the complement: IFT140 is on the minus strand). VCF-style: chr16-1523633-A-G. GRCh37 (hg19) VCF-style: chr16-1573634-A-G.
Other names: short protein forms I1113T.
Identifiers: ClinVar variation 3028326 (VCV003028326.5), dbSNP rs2040587535, ClinGen allele CA394225381.

ClinVar aggregate classification (germline): Uncertain significance. Review status: criteria provided, multiple submitters, no conflicts (2 of 4 stars). 4 submissions from 4 submitters: Uncertain significance (4). Last evaluated 2024-07-04.

Conditions:
Retinitis pigmentosa 80 (RP80). Identifiers: MedGen C4540439, MONDO:0054708, OMIM 617781.
Saldino-Mainzer syndrome (SRTD9). Also called: CONORENAL SYNDROME; SHORT-RIB THORACIC DYSPLASIA 9 WITHOUT POLYDACTYLY; Renal dysplasia, retinal pigmentary dystrophy, cerebellar ataxia and skeletal dysplasia; short-rib thoracic dysplasia 9 with or without polydactyly. Identifiers: Orphanet 140969, MedGen C1849437, MONDO:0009964, OMIM 266920.
Retinal dystrophy. Also called: Inherited retinal dystrophy. Identifiers: Orphanet 71862, MedGen C0854723, MeSH D058499, MONDO:0019118, HP:0000556.

Allele frequency attached by ClinVar (database versions not stated): TOPMed below 0.00001; gnomAD 0.00001; gnomAD exomes 0.00001.
gnomAD v4.1: 10 of 1,613,868 alleles (0.00062%); highest among the groups gnomAD compares: Middle Eastern, 0.016%; no homozygotes.

Submissions (4):

Labcorp Genetics (formerly Invitae), Labcorp
Classification: Uncertain significance for Saldino-Mainzer syndrome. Last evaluated: 2024-07-04. Review status: criteria provided, single submitter. Criteria: Invitae Variant Classification Sherloc (09022015). Collection method: clinical testing. Allele origin: germline.
Comment: This sequence change replaces isoleucine, which is neutral and non-polar, with threonine, which is neutral and polar, at codon 1113 of the IFT140 protein (p.Ile1113Thr). This variant is not present in population databases (gnomAD no frequency). This variant has not been reported in the literature in individuals affected with IFT140-related conditions. Advanced modeling of protein sequence and biophysical properties (such as structural, functional, and spatial information, amino acid conservation, physicochemical variation, residue mobility, and thermodynamic stability) has been performed at Invitae for this missense variant, however the output from this modeling did not meet the statistical confidence thresholds required to predict the impact of this variant on IFT140 protein function. In summary, the available evidence is currently insufficient to determine the role of this variant in disease. Therefore, it has been classified as a Variant of Uncertain Significance.

Blueprint Genetics
Classification: Uncertain significance. Last evaluated: 2024-06-19. Review status: criteria provided, single submitter. Criteria: ACMG Guidelines, 2015. Collection method: clinical testing. Allele origin: germline.

Fulgent Genetics
Classification: Uncertain significance for Saldino-Mainzer syndrome; Retinitis pigmentosa 80. Last evaluated: 2024-05-17. Review status: criteria provided, single submitter. Criteria: ACMG Guidelines, 2015. Collection method: clinical testing. Allele origin: germline.

Dept Of Ophthalmology, Nagoya University
Classification: Uncertain significance for Retinal dystrophy. Last evaluated: 2023-10-01. Review status: criteria provided, single submitter. Criteria: Submitter's publication. Collection method: research. Allele origin: germline. Affected: yes.